The following is an entry in ClinVar:

ClinVar aggregate classification (germline): Conflicting classifications of pathogenicity. Review status: criteria provided, conflicting classifications (1 of 4 stars). 11 submissions from 11 submitters: Uncertain significance (3); Likely benign (7). 1 of the submissions does not count toward it. Last evaluated 2026-02-02.

Conditions:
Neurodevelopmental disorder with cerebellar atrophy and with or without seizures. Identifiers: MedGen C4748032, MONDO:0020841, OMIM 618056.
Neonatal-onset encephalopathy with rigidity and seizures. Also called: Lethal neonatal spasticity-epileptic encephalopathy syndrome. Identifiers: Orphanet 435845, MedGen C3281029, MONDO:0013784, OMIM 614498.
Intellectual disability. Also called: Intellectual functioning disability; Intellectual developmental disorder; intellectual disabilities. Identifiers: MedGen C3714756, MeSH D008607, MONDO:0001071, HP:0001249.
Inborn genetic diseases. Identifiers: MedGen C0950123, MeSH D030342.

Allele frequency attached by ClinVar (database versions not stated): 1000 Genomes Project 30x 0.00078; ExAC 0.00078; gnomAD 0.00079 and 0.00080; gnomAD exomes 0.00079 and 0.00150; 1000 Genomes Project 0.00080; TOPMed 0.00088; ESP Exome Variant Server 0.00100.
gnomAD v4.1: 2,312 of 1,611,408 alleles (0.14%); highest among the groups gnomAD compares: Non-Finnish European, 0.18%; 3 homozygotes.

Submissions (11):

Labcorp Genetics (formerly Invitae), Labcorp
Classification: Likely benign for Neonatal-onset encephalopathy with rigidity and seizures. Last evaluated: 2026-02-02. Review status: criteria provided, single submitter. Criteria: Invitae Variant Classification Sherloc (09022015). Collection method: clinical testing. Allele origin: germline.

Ambry Genetics
Classification: Uncertain significance for Inborn genetic diseases. Last evaluated: 2025-01-27. Review status: criteria provided, single submitter. Criteria: Ambry Variant Classification Scheme 2023. Collection method: clinical testing. Allele origin: germline.

Blueprint Genetics
Classification: Likely benign. Last evaluated: 2024-11-19. Review status: criteria provided, single submitter. Criteria: ACMG Guidelines, 2015. Collection method: clinical testing. Allele origin: germline.

CeGaT Center for Human Genetics Tuebingen
Classification: Likely benign. Last evaluated: 2024-05-01. Review status: criteria provided, single submitter. Criteria: CeGaT Center For Human Genetics Tuebingen Variant Classification Criteria Version 2. Collection method: clinical testing. Allele origin: germline. Affected: yes. Observed: 5 variant alleles.
Comment: BRAT1: BP4

Genetic Services Laboratory, University of Chicago
Classification: Uncertain significance. Last evaluated: 2020-10-12. Review status: criteria provided, single submitter. Criteria: ACMG Guidelines, 2015. Collection method: clinical testing. Allele origin: germline. Affected: no.
Comment: DNA sequence analysis of the BRAT1 gene demonstrated a sequence change, c.2041G>A, in exon 14 that results in an amino acid change, p.Glu681Lys. This sequence change does not appear to have been previously described in individuals with BRAT1-related disorders and has been described in the gnomAD database with a frequency of 0.12% in the European sub-population (dbSNP rs145833100). The p.Glu681Lys change affects a poorly conserved amino acid residue located in a domain of the BRAT1 protein that is not known to be functional. The p.Glu681Lys substitution appears to be benign using several in-silico pathogenicity prediction tools (SIFT, PolyPhen2, Align GVGD, REVEL). Due to these contrasting evidences and the lack of functional studies, the clinical significance of the p.Glu681Lys change remains unknown at this time.

Athena Diagnostics
Classification: Likely benign. Last evaluated: 2020-06-22. Review status: criteria provided, single submitter. Criteria: Athena Diagnostics Criteria. Collection method: clinical testing. Allele origin: unknown.

GeneDx
Classification: Likely benign. Last evaluated: 2020-06-01. Review status: criteria provided, single submitter. Criteria: GeneDx Variant Classification Process June 2021. Collection method: clinical testing. Allele origin: germline. Affected: yes.

Centre for Mendelian Genomics, University Medical Centre Ljubljana
Classification: Likely benign for Neonatal-onset encephalopathy with rigidity and seizures. Last evaluated: 2018-09-26. Review status: criteria provided, single submitter. Criteria: ACMG Guidelines, 2015. Collection method: clinical testing. Allele origin: unknown. Affected: yes.
Comment: This variant was classified as: Likely benign. The following ACMG criteria were applied in classifying this variant: BS2,BP4.

Center for Pediatric Genomic Medicine, Children's Mercy Hospital and Clinics
Classification: Uncertain significance. Last evaluated: 2016-07-12. Review status: criteria provided, single submitter. Criteria: ACMG Guidelines, 2015. Collection method: clinical testing. Allele origin: germline.
ClinVar note: Converted during submission from Uncertain Significance to Uncertain significance.

Center for Genomics, Ann and Robert H. Lurie Children's Hospital of Chicago
Classification: Likely benign for Neurodevelopmental disorder with cerebellar atrophy and with or without seizures; Neonatal-onset encephalopathy with rigidity and seizures. Review status: criteria provided, single submitter. Criteria: ACMG Guidelines, 2015. Collection method: clinical testing. Allele origin: germline.
Comment: This variant has not been reported in the literature but is present in the Genome Aggregation Database (Highest reported MAF 0.1% [92/68018]). This variant is present in ClinVar, with several labs classifying this variant as Likely Benign (Variation ID: 377362). This variant amino acid Lysine (Lys) is present in several species including multiple mammals and is not well conserved among evolutionarily distant species; this suggests that this variant may not impact the protein. Additional computational prediction tools do not suggest an impact. In summary, data on this variant suggests that this variant does not cause disease but requires further evidence. Therefore, this variant is classified as likely benign.

Centre de Biologie Pathologie Génétique, Centre Hospitalier Universitaire de Lille
Classification: Uncertain significance for Intellectual disability. Last evaluated: 2019-01-01. Review status: no assertion criteria provided. Collection method: clinical testing. Allele origin: unknown. Affected: yes. Not counted in ClinVar's aggregate classification.

NM_152743.4(BRAT1):c.2041G>A (p.Glu681Lys)

Gene: BRAT1 (BRCA1 associated ATM activator 1; minus strand). Cytogenetic location: 7p22.3.
Variant type: single nucleotide variant.
Coding change: c.2041G>A on transcript NM_152743.4 (MANE Select); coding-DNA position 2041, G replaced by A.
Protein change: p.Glu681Lys; replaces glutamic acid 681 with lysine.
Molecular consequence: missense variant. On other transcripts: non-coding transcript variant (1).
Genome position (GRCh38, 1-based): chr7:2,538,494, C>T on the plus strand (G>A on the coding strand, the complement: BRAT1 is on the minus strand). VCF-style: chr7-2538494-C-T. GRCh37 (hg19) VCF-style: chr7-2578128-C-T.
Other names: c.2221G>A, p.Glu741Lys (NM_001350626.2); c.1516G>A, p.Glu506Lys (NM_001350627.2); short protein forms E681K, E506K, E741K.
Identifiers: ClinVar variation 377362 (VCV000377362.70), dbSNP rs145833100, ClinGen allele CA4127476.
Genomic context (GRCh38, chr7:2,538,494, plus strand): 5'-AGAGCCCCACGTGGCAGAGAGCCCTCAGTGCCTCGGTGAGTGGCTGGGCTGGGGCCACCT[C>T]GGGTAGGGCCACGGCATAGGGGCAGTGGGTACGCGGCGGCCCCAAAGTCTGGCCCAGGAA-3'
Protein context (NP_689956.2, residues 671-691): THCPYAVALP[Glu681Lys]VAPAQPLTEA